The following is an entry in ClinVar:

ClinVar aggregate classification (germline): Pathogenic (1 of 4 stars; one submission).

Submission:

Labcorp Genetics (formerly Invitae), Labcorp
Classification: Pathogenic. Last evaluated: 2025-09-03. Review status: criteria provided, single submitter. Criteria: Invitae Variant Classification Sherloc (09022015). Collection method: clinical testing. Allele origin: germline.
Comment: This sequence change creates a premature translational stop signal (p.Ser85Cysfs*22) in the MBD4 gene. It is expected to result in an absent or disrupted protein product. Loss-of-function variants in MBD4 are known to be pathogenic (PMID: 30049810, 35460607). This variant is not present in population databases (gnomAD no frequency). This variant has not been reported in the literature in individuals affected with MBD4-related conditions. Algorithms developed to predict the effect of sequence changes on RNA splicing suggest that this variant may disrupt the consensus splice site. For these reasons, this variant has been classified as Pathogenic.

Literature cited by the submitters: PubMed 30049810; PubMed 35460607.

NM_001276270.2(MBD4):c.254_255del (p.Ser85fs)

Gene: MBD4 (methyl-CpG binding domain 4, DNA glycosylase; minus strand). Cytogenetic location: 3q21.3.
Variant type: Deletion.
Coding change: c.254_255del on transcript NM_001276270.2 (MANE Select); coding-DNA positions 254 to 255, 2 bases deleted (CT; older notation c.254_255delCT).
Protein change: p.Ser85fs; shifts the reading frame from serine 85.
Molecular consequence: frameshift variant. On other transcripts: intron variant (1).
Genome position (GRCh38, 1-based): chr3:129,437,800-129,437,801, AG deleted on the plus strand (CT on the coding strand, the reverse complement: MBD4 is on the minus strand); deleting any 2 consecutive bases within chr3:129,437,800-129,437,802 gives the same sequence; the c. name uses the placement nearest the transcript's 3' end. VCF-style (leftmost placement, unchanged base first): chr3-129437799-CAG-C. GRCh37 (hg19) VCF-style: chr3-129156642-CAG-C.
Other names: c.254_255del, p.Ser85fs (NM_001276271.2, NM_001276272.2, NM_003925.3); c.247+7_247+8del (NM_001276273.2); short protein forms S85fs.
Identifiers: ClinVar variation 4772088 (VCV004772088.1).